The following is an entry in ClinVar:

NM_003001.5(SDHC):c.202T>C (p.Ser68Pro)

Gene: SDHC (succinate dehydrogenase complex subunit C; plus strand). Cytogenetic location: 1q23.3.
Variant type: single nucleotide variant.
Coding change: c.202T>C on transcript NM_003001.5 (MANE Select); coding-DNA position 202, T replaced by C.
Protein change: p.Ser68Pro; replaces serine 68 with proline.
Molecular consequence: missense variant.
Genome position (GRCh38, 1-based): chr1:161,340,616, T>C. VCF-style: chr1-161340616-T-C. GRCh37 (hg19) VCF-style: chr1-161310406-T-C.
Other names: c.202T>C, p.Ser68Pro (NM_001035511.3); c.100T>C, p.Ser34Pro (NM_001035512.3, NM_001278172.3, NM_001407118.1); c.43T>C, p.Ser15Pro (NM_001035513.3); c.322T>C, p.Ser108Pro (NM_001407115.1); c.145T>C, p.Ser49Pro (NM_001407116.1, NM_001407117.1, NM_001407121.1); c.91T>C, p.Ser31Pro (NM_001407119.1, NM_001407120.1); short protein forms S15P, S34P, S68P, S108P, S31P, S49P.
Identifiers: ClinVar variation 1209920 (VCV001209920.11), dbSNP rs2102336180, ClinGen allele CA343365805.
Genomic context (GRCh38, chr1:161,340,616, plus strand): 5'-TTTCCTTTTTAAAATTGTCTTTGTGTGTTTCTTTACAGTTGGTCTCTTCCCATGGCGATG[T>C]CCATCTGCCACCGTGGCACTGGTATTGCTTTGAGTGCAGGTATGTATATGTGTTTTTACA-3'
Protein context (NP_002992.1, residues 58-78): IYSWSLPMAM[Ser68Pro]ICHRGTGIAL

ClinVar aggregate classification (germline): Conflicting classifications of pathogenicity. Review status: criteria provided, conflicting classifications (1 of 4 stars). 4 submissions from 4 submitters: Likely pathogenic (1); Uncertain significance (1). 2 of the submissions do not count toward it. Last evaluated 2026-05-01.

Conditions:
Hereditary cancer-predisposing syndrome. Also called: Neoplastic Syndromes, Hereditary; Tumor predisposition; Hereditary neoplastic syndrome; Hereditary Cancer Syndrome. Identifiers: Orphanet 140162, MedGen C0027672, MeSH D009386, MONDO:0015356.
Pheochromocytoma/paraganglioma syndrome 3. Also called: GLOMUS TUMORS, FAMILIAL, 3; Paragangliomas 3; SDHC-Related Hereditary Paraganglioma-Pheochromocytoma Syndrome (Paragangliomas 3); SDHC-Related Hereditary Paraganglioma-Pheochromocytoma Syndrome. Identifiers: Orphanet 29072, MedGen C1854336, MONDO:0011544, OMIM 605373.
Gastrointestinal stromal tumor. Also called: Gastrointestinal stromal tumor, somatic; Gastrointestinal stroma tumor. Identifiers: Orphanet 44890, MedGen C0238198, MeSH D046152, MONDO:0011719, OMIM 606764, HP:0100723.

Submissions (4):

Ambry Genetics
Classification: Likely pathogenic for Hereditary cancer-predisposing syndrome. Last evaluated: 2026-05-01. Review status: criteria provided, single submitter. Criteria: Ambry Variant Classification Scheme 2023. Collection method: clinical testing. Allele origin: germline.
Comment: The p.S68P variant (also known as c.202T>C), located in coding exon 4 of the SDHC gene, results from a T to C substitution at nucleotide position 202. The serine at codon 68 is replaced by proline, an amino acid with similar properties. This variant was reported in individual(s) with features consistent with SDHC-related hereditary pheochromocytoma-paraganglioma (Ambry internal data; Daghlas S et al. BMJ Case Rep, 2021 Oct;14). This variant is considered to be rare based on population cohorts in the Genome Aggregation Database (gnomAD). Based on internal structural assessment, this alteration disrupts the ubiquinone binding site (Sun F et al. Cell, 2005 Jul;121:1043-57). This variant is considered to be rare based on population cohorts in the Genome Aggregation Database (gnomAD). This amino acid position is highly conserved in available vertebrate species. In addition, this alteration is predicted to be deleterious by in silico analysis. Based on the majority of available evidence to date, this variant is likely to be pathogenic.

Labcorp Genetics (formerly Invitae), Labcorp
Classification: Uncertain significance for Pheochromocytoma/paraganglioma syndrome 3; Gastrointestinal stromal tumor. Last evaluated: 2025-03-27. Review status: criteria provided, single submitter. Criteria: Invitae Variant Classification Sherloc (09022015). Collection method: clinical testing. Allele origin: germline.
Comment: This sequence change replaces serine, which is neutral and polar, with proline, which is neutral and non-polar, at codon 68 of the SDHC protein (p.Ser68Pro). This variant is not present in population databases (gnomAD no frequency). This missense change has been observed in individual(s) with paraganglioma (PMID: 34663632). ClinVar contains an entry for this variant (Variation ID: 1209920). An algorithm developed to predict the effect of missense changes on protein structure and function (PolyPhen-2) suggests that this variant is likely to be disruptive. In summary, the available evidence is currently insufficient to determine the role of this variant in disease. Therefore, it has been classified as a Variant of Uncertain Significance.

Genome Diagnostics Laboratory, Amsterdam University Medical Center
Classification: Uncertain significance. Review status: no assertion criteria provided. Collection method: clinical testing. Allele origin: germline. Affected: yes. Study: VKGL Data-share Consensus. Not counted in ClinVar's aggregate classification.

Joint Genome Diagnostic Labs from Nijmegen and Maastricht, Radboudumc and MUMC+
Classification: Uncertain significance. Review status: no assertion criteria provided. Collection method: clinical testing. Allele origin: germline. Affected: yes. Study: VKGL Data-share Consensus. Not counted in ClinVar's aggregate classification.

Literature cited by the submitters: PubMed 15989954 (cited by Ambry Genetics); PubMed 34663632 (cited by Ambry Genetics and Labcorp Genetics (formerly Invitae), Labcorp).